The following continues an entry in ClinVar:

NM_000540.3(RYR1):c.6838G>A (p.Val2280Ile)

Gene: RYR1. ClinVar aggregate classification (germline): Likely pathogenic. Likely pathogenic (1).

Submissions 8 to 18 of 23:

Labcorp Genetics (formerly Invitae), Labcorp
Classification: Pathogenic for RYR1-related disorder. Last evaluated: 2026-01-25. Review status: criteria provided, single submitter. Criteria: Invitae Variant Classification Sherloc (09022015). Collection method: clinical testing. Allele origin: germline. Not counted in ClinVar's aggregate classification.
Comment: This sequence change replaces valine, which is neutral and non-polar, with isoleucine, which is neutral and non-polar, at codon 2280 of the RYR1 protein (p.Val2280Ile). This variant is present in population databases (rs193922797, gnomAD 0.004%). This missense change has been observed in individual(s) with clinical features of autosomal dominant RYR1-related conditions and/or malignant hyperthermia susceptibility (PMID: 12208234, 30236257, 30788618, 31559918, 36208971; internal data). It has also been observed to segregate with disease in related individuals. ClinVar contains an entry for this variant (Variation ID: 133172). Invitae Evidence Modeling of protein sequence and biophysical properties (such as structural, functional, and spatial information, amino acid conservation, physicochemical variation, residue mobility, and thermodynamic stability) indicates that this missense variant is expected to disrupt RYR1 protein function with a positive predictive value of 80%. Experimental studies have shown that this missense change affects RYR1 function (PMID: 36208971). For these reasons, this variant has been classified as Pathogenic.

Clinical Genomics Laboratory, Washington University in St. Louis
Classification: Likely pathogenic for Malignant hyperthermia, susceptibility to, 1. Last evaluated: 2025-08-18. Review status: criteria provided, single submitter. Criteria: ACMG Guidelines, 2015. Collection method: clinical testing. Allele origin: germline. Affected: yes. Not counted in ClinVar's aggregate classification.
Comment: The RYR1 c.6838G>A (p.Val2280Ile) variant has been reported in at least five unrelated individuals who have a personal or family history of a malignant hyperthermia reaction, and at least two of these individuals had a positive in vitro contracture test or caffeine halothane contracture test result (Galli L et al., PMID: 16835904; Galli L et al., PMID: 12208234; Hudig K et al., PMID: 30864471; Kushnir A et al., PMID: 32236737; Miller DM et al., PMID: 30236257; Scalco RS et al., PMID: 27431030; White R et al., PMID: 36208971). This variant has been reported in the ClinVar database as a germline likely pathogenic variant by an expert panel. This variant is only observed on 99/1,613,396 alleles in the general population (gnomAD v.4.1.0), indicating it is not a common variant. This variant resides within a region, amino acids 2101-2458, of RYR1 that is defined as a critical functional domain. Computational predictors suggest that the variant does not impact ryanodine receptor function; however, functional studies in cell culture show an increased sensitivity to ryanodine receptor agonists (White R et al., PMID: 36208971). Based on available information and the ClinGen Malignant Hyperthermia Susceptibility Expert Panel Specifications to the ACMG/AMP Variant Interpretation Guidelines for RYR1 Version 2, this variant is classified as likely pathogenic.

Variantyx, Inc.
Classification: Likely pathogenic for Malignant hyperthermia, susceptibility to, 1. Last evaluated: 2025-06-18. Review status: criteria provided, single submitter. Criteria: Variantyx Assertion Criteria 2022. Collection method: clinical testing. Allele origin: germline. Inheritance: Autosomal dominant inheritance. Affected: yes. Not counted in ClinVar's aggregate classification.
Comment: This is a nonsynonymous variant in the RYR1 gene (OMIM: 180901). Pathogenic variants in this gene have been associated with autosomal dominant susceptibility to malignant hyperthermia 1. This variant has been reported in at least 3 unrelated affected individuals (PMID: 36208971, 30236257, 12208234) (PS4_Moderate). Computational algorithms produce conflicting evidence regarding the predicted functional impact of this variant (REVEL score: 0.641) but functional studies have shown that this variant alters RYR1 protein function (PMID: 36208971) (PS3_Moderate). Moreover, the variant lies within a known hotspot for pathogenic variants or a well-established critical functional domain of the RYR1 protein (PMID: 21118704) (PM1). This variant has a 0.0073% maximum allele frequency in non-founder control populations. Based on the current evidence, this variant is classified as likely pathogenic for autosomal dominant susceptibility to malignant hyperthermia 1.

Revvity Omics, Revvity
Classification: Likely pathogenic. Last evaluated: 2025-05-26. Review status: criteria provided, single submitter. Criteria: ACMG Guidelines, 2015. Collection method: clinical testing. Allele origin: germline. Not counted in ClinVar's aggregate classification.

Color Diagnostics, LLC DBA Color Health
Classification: Likely pathogenic for Malignant hyperthermia, susceptibility to, 1. Last evaluated: 2025-05-13. Review status: criteria provided, single submitter. Criteria: ACMG Guidelines, 2015. Collection method: clinical testing. Allele origin: germline. Not counted in ClinVar's aggregate classification.
Comment: This missense variant replaces valine with isoleucine at codon 2280 of the RYR1 protein. Computational prediction is inconclusive regarding the impact of this variant on protein structure and function. Although functional studies have not been reported for this variant, it occurs in a region of RYR1 considered to be a hotspot for pathogenic variants that contribute to malignant hyperthermia susceptibility (PMID: 21118704). This variant has been reported in at least 4 families or individuals affected with malignant hyperthermia susceptibility (PMID: 16835904, 30236257, 30864471, 36208971, 36208971, ClinVar: SCV001810122.1). It has been shown that this variant segregates with malignant hyperthermia susceptibility in 8 individuals of 1 family (PMID: 36208971). This variant has been identified in 6/250004 chromosomes in the general population by the Genome Aggregation Database (gnomAD). Based on the available evidence, this variant is classified as Likely Pathogenic.

Institute of Human Genetics, Clinical Exome/Genome Diagnostics Group, University Hospital Bonn
Classification: Likely pathogenic for Malignant hyperthermia, susceptibility to, 1. Last evaluated: 2024-12-02. Review status: criteria provided, single submitter. Criteria: ACMG Guidelines, 2015. Collection method: clinical testing. Allele origin: inherited. Observed: 1 heterozygote. Not counted in ClinVar's aggregate classification.
Comment: PS3_mod, PS4_mod, PM1_mod

All of Us Research Program, National Institutes of Health
Classification: Likely pathogenic for Malignant hyperthermia, susceptibility to, 1. Last evaluated: 2024-09-24. Review status: criteria provided, single submitter. Criteria: ACMG Guidelines, 2015. Collection method: clinical testing. Allele origin: germline. Inheritance: Autosomal dominant inheritance. Observed: 45 variant alleles, 45 heterozygotes. Not counted in ClinVar's aggregate classification.
Comment: The c.6838G>A variant, located on the exon 42 of the RYR1 gene, replaces valine with isoleucine at codon 2280 of the RYR1 protein (p.Val2280Ile). This missense change has been observed in three individuals with personal or family histories of malignant hyperthermia syndrome (MHS), with positive in vitro contracture test (IVCT) or caffeine halothane contracture test (CHCT) (PMID: 12208234, 30236257, 30864471). This missense variant is located in a mutational hotspot region that is known to contribute to MHS (PMID: 21118704). A functional study in HEK293 cells showed increased sensitivity to RYR1 agonists (PMID: 36208971). Computational prediction (REVEL score 0.641) suggests that this variant may not have deleterious impact on protein structure and function. This variant has been classified as likely pathogenic by the expert panel in ClinVar (ID:133172). This variant is rare (6/250004 chromosomes) in the general population database, gnomAD. For these reasons, the c.6838G>A (p.Val2280Ile) variant in the RYR1 gene is classified as likely pathogenic.

This study involves interpretation of variants in research participants for the purpose of population health screening. Participant phenotype was not available at the time of variant classification. Additional details can be found in publication PMID: 35346344, PMCID: PMC8962531

Fulgent Genetics
Classification: Likely pathogenic for Central core myopathy; Malignant hyperthermia, susceptibility to, 1; Congenital multicore myopathy with external ophthalmoplegia; King Denborough syndrome. Last evaluated: 2024-06-18. Review status: criteria provided, single submitter. Criteria: ACMG Guidelines, 2015. Collection method: clinical testing. Allele origin: germline. Not counted in ClinVar's aggregate classification.

Blueprint Genetics
Classification: Likely pathogenic for RYR1-related disorders. Last evaluated: 2024-05-13. Review status: criteria provided, single submitter. Criteria: ACMG Guidelines, 2015. Collection method: clinical testing. Allele origin: germline. Affected: yes. Observed: 4 variant alleles. Not counted in ClinVar's aggregate classification.

Institute of Human Genetics Munich, TUM University Hospital
Classification: Likely pathogenic for Malignant hyperthermia, susceptibility to, 1. Last evaluated: 2024-05-08. Review status: criteria provided, single submitter. Criteria: Classification criteria August 2017. Collection method: clinical testing. Allele origin: germline. Inheritance: Autosomal dominant inheritance. Affected: yes. Observed: 1 variant allele. Not counted in ClinVar's aggregate classification.

Clinical Genetics Laboratory, Skane University Hospital Lund
Classification: Likely pathogenic. Last evaluated: 2024-02-09. Review status: criteria provided, single submitter. Criteria: ACMG Guidelines, 2015. Collection method: clinical testing. Allele origin: germline. Affected: yes. Not counted in ClinVar's aggregate classification.